The following is an entry in ClinVar:

ClinVar aggregate classification (germline): Likely benign (1 of 4 stars; one submission).

Submission:

CeGaT Center for Human Genetics Tuebingen
Classification: Likely benign. Last evaluated: 2026-03-01. Review status: criteria provided, single submitter. Criteria: CeGaT Center For Human Genetics Tuebingen Variant Classification Criteria Version 2. Collection method: clinical testing. Allele origin: germline. Affected: yes. Observed: 1 variant allele.
Comment: ALOXE3: BS2

NC_000017.11:g.8119174T>C

Genes: ALOXE3 (arachidonate epidermal lipoxygenase 3; minus strand), TRK-TTT3-5 (tRNA-Lys (anticodon TTT) 3-5; plus strand). Cytogenetic location: 17p13.1.
Variant type: single nucleotide variant.
Genome position: GRCh38 VCF-style: chr17-8119174-T-C. GRCh37 (hg19) VCF-style: chr17-8022492-T-C.
Identifiers: ClinVar variation 4822304 (VCV004822304.4).